The following is an entry in ClinVar:

NM_000382.3(ALDH3A2):c.909del (p.Glu305fs)

Gene: ALDH3A2 (aldehyde dehydrogenase 3 family member A2; plus strand). Cytogenetic location: 17p11.2.
Variant type: Deletion.
Coding change: c.909del on transcript NM_000382.3 (MANE Select); coding-DNA position 909, one base deleted (T; older notation c.909delT).
Protein change: p.Glu305fs; shifts the reading frame from glutamic acid 305.
Molecular consequence: frameshift variant.
Genome position (GRCh38, 1-based): chr17:19,661,237, T deleted. VCF-style (leftmost placement, unchanged base first): chr17-19661236-GT-G. GRCh37 (hg19) VCF-style: chr17-19564549-GT-G.
Other names: c.909del, p.Glu305fs (NM_001031806.2, NM_001369136.1, NM_001369137.2 and 3 more transcripts); c.330del, p.Glu112fs (NM_001369148.2); short protein forms E112fs, E305fs.
Identifiers: ClinVar variation 4818282 (VCV004818282.1).
Genomic context (GRCh38, chr17:19,661,236, plus strand): 5'-TCAATCTTCGTCATTTTAAGAGGATACTAAGTTTGCTTGAAGGACAAAAGATAGCTTTTG[GT>G]GGGGAGACTGATGAGGCCACACGCTACATAGGTAATGGAAATTCTCCTTTTCCTATGGGA-3'

ClinVar aggregate classification (germline): Likely pathogenic (1 of 4 stars; one submission).

Conditions:
Sjögren-Larsson syndrome (SLS). Also called: FALDH DEFICIENCY; FATTY ALCOHOL:NAD+ OXIDOREDUCTASE DEFICIENCY; FATTY ALDEHYDE DEHYDROGENASE DEFICIENCY; ICHTHYOSIS, SPASTIC NEUROLOGIC DISORDER, AND OLIGOPHRENIA. Identifiers: Orphanet 816, MedGen C0037231, MONDO:0010031, OMIM 270200.

Submission:

Natera, Inc.
Classification: Likely pathogenic for Sjögren-Larsson syndrome. Last evaluated: 2024-05-29. Review status: criteria provided, single submitter. Criteria: Natera Variant Classification Schema (03/2026). Collection method: clinical testing. Allele origin: germline.
Comment: The c.909del variant in ALDH3A2 is a frameshift variant predicted to shift the reading frame beginning at codon 305 and leads to a stop codon 9 codons downstream. This variant is expected to result in nonsense mediated decay, truncation, or a dysfunctional protein product. This variant is rare in the general population with a frequency below the threshold expected for the associated phenotype(s). Given the available evidence, this variant is classified as Likely Pathogenic.